The following is an entry in ClinVar:

NM_002133.3(HMOX1):c.65A>C (p.Lys22Thr)

Gene: HMOX1 (heme oxygenase 1; plus strand). Cytogenetic location: 22q12.3.
Variant type: single nucleotide variant.
Coding change: c.65A>C on transcript NM_002133.3 (MANE Select); coding-DNA position 65, A replaced by C.
Protein change: p.Lys22Thr; replaces lysine 22 with threonine.
Molecular consequence: missense variant.
Genome position (GRCh38, 1-based): chr22:35,383,147, A>C. VCF-style: chr22-35383147-A-C. GRCh37 (hg19) VCF-style: chr22-35779140-A-C.
Other names: c.65A>C (NM_002133.2); short protein forms K22T.
Identifiers: ClinVar variation 1359508 (VCV001359508.9), dbSNP rs1474577861, ClinGen allele CA411351425.

ClinVar aggregate classification (germline): Uncertain significance. Review status: criteria provided, multiple submitters, no conflicts (2 of 4 stars). 2 submissions from 2 submitters: Uncertain significance (2). Last evaluated 2025-09-28.

Allele frequency attached by ClinVar (database versions not stated): gnomAD exomes below 0.00001; TOPMed below 0.00001.

Submissions (2):

Ambry Genetics
Classification: Uncertain significance. Last evaluated: 2025-09-28. Review status: criteria provided, single submitter. Criteria: Ambry Variant Classification Scheme 2023. Collection method: clinical testing. Allele origin: germline.

Labcorp Genetics (formerly Invitae), Labcorp
Classification: Uncertain significance. Last evaluated: 2023-10-13. Review status: criteria provided, single submitter. Criteria: Invitae Variant Classification Sherloc (09022015). Collection method: clinical testing. Allele origin: germline.
Comment: This sequence change replaces lysine, which is basic and polar, with threonine, which is neutral and polar, at codon 22 of the HMOX1 protein (p.Lys22Thr). This variant is not present in population databases (gnomAD no frequency). This variant has not been reported in the literature in individuals affected with HMOX1-related conditions. ClinVar contains an entry for this variant (Variation ID: 1359508). An algorithm developed to predict the effect of missense changes on protein structure and function (PolyPhen-2) suggests that this variant is likely to be disruptive. In summary, the available evidence is currently insufficient to determine the role of this variant in disease. Therefore, it has been classified as a Variant of Uncertain Significance.